The following is an entry in ClinVar:

NM_182493.3(MYLK3):c.715del (p.His239fs)

Gene: MYLK3 (myosin light chain kinase 3; minus strand). Cytogenetic location: 16q11.2.
Variant type: Deletion.
Coding change: c.715del on transcript NM_182493.3 (MANE Select); coding-DNA position 715, one base deleted (C; older notation c.715delC).
Protein change: p.His239fs; shifts the reading frame from histidine 239.
Molecular consequence: frameshift variant. On other transcripts: intron variant (1).
Genome position (GRCh38, 1-based): chr16:46,737,997, G deleted on the plus strand (C on the coding strand, the reverse complement: MYLK3 is on the minus strand); the first of 2 consecutive G bases (chr16:46,737,997-46,737,998); deleting either gives the same sequence. VCF-style (leftmost placement, unchanged base first): chr16-46737996-TG-T. GRCh37 (hg19) VCF-style: chr16-46771908-TG-T.
Other names: c.-23+2060del (NM_001308301.1); short protein forms H239fs.
Identifiers: ClinVar variation 2066026 (VCV002066026.4), dbSNP rs1966879525, ClinGen allele CA2220080959.

ClinVar aggregate classification (germline): Uncertain significance (1 of 4 stars; one submission).

Submission:

Labcorp Genetics (formerly Invitae), Labcorp
Classification: Uncertain significance. Last evaluated: 2022-08-13. Review status: criteria provided, single submitter. Criteria: Invitae Variant Classification Sherloc (09022015). Collection method: clinical testing. Allele origin: germline.
Comment: This sequence change creates a premature translational stop signal (p.His239Thrfs*60) in the MYLK3 gene. It is expected to result in an absent or disrupted protein product. However, the current clinical and genetic evidence is not sufficient to establish whether loss-of-function variants in MYLK3 cause disease. This variant is not present in population databases (gnomAD no frequency). This premature translational stop signal has been observed in individual(s) with dilated cardiomyopathy (Invitae). In summary, the available evidence is currently insufficient to determine the role of this variant in disease. Therefore, it has been classified as a Variant of Uncertain Significance.